The following is an entry in ClinVar:

ClinVar aggregate classification (germline): Uncertain significance (1 of 4 stars; one submission).

Conditions:
Menkes kinky-hair syndrome (MNK). Also called: Copper transport disease; Classic Menkes Disease; Menkes Disease. Identifiers: Orphanet 565, MedGen C0022716, MONDO:0010651, OMIM 309400.
Cutis laxa, X-linked (OHS). Also called: EDS IX; Occipital horn syndrome. Identifiers: Orphanet 198, MedGen C0268353, MONDO:0010572, OMIM 304150.
X-linked distal spinal muscular atrophy type 3. Also called: SPINAL MUSCULAR ATROPHY, DISTAL, X-LINKED RECESSIVE; ATP7A-Related Distal Motor Neuropathy; NEURONOPATHY, DISTAL HEREDITARY MOTOR, X-LINKED; NEUROPATHY, DISTAL HEREDITARY MOTOR, X-LINKED. Identifiers: Orphanet 139557, MedGen C1845359, MONDO:0010338, OMIM 300489.

Submission:

Labcorp Genetics (formerly Invitae), Labcorp
Classification: Uncertain significance for X-linked distal spinal muscular atrophy type 3; Cutis laxa, X-linked; Menkes kinky-hair syndrome. Last evaluated: 2019-02-22. Review status: criteria provided, single submitter. Criteria: Invitae Variant Classification Sherloc (09022015). Collection method: clinical testing. Allele origin: germline.
Comment: This variant results in a copy number gain of the genomic region encompassing exons 3-23 of the ATP7A gene. The 5' boundary is likely confined to intron 2. The 3' end of this event is unknown as it extends beyond the assayed region for this gene and therefore may encompass additional genes. As the precise location of this event is unknown, it may be in tandem or it may be located elsewhere in the genome. This variant has not been reported in the literature in individuals with ATP7A-related conditions. Experimental studies and prediction algorithms are not available for this variant, and the functional significance of the affected amino acid(s) is currently unknown. In summary, the available evidence is currently insufficient to determine the role of this variant in disease. Therefore, it has been classified as a Variant of Uncertain Significance.

NC_000023.10:g.(?_77243738)_(77302067_?)dup

Gene: ATP7A (ATPase copper transporting alpha; plus strand). Cytogenetic location: Xq21.1.
Variant type: Duplication.
Identifiers: ClinVar variation 833353 (VCV000833353.5).